The following is an entry in ClinVar:

ClinVar aggregate classification (germline): Uncertain significance. Review status: criteria provided, multiple submitters, no conflicts (2 of 4 stars). 2 submissions from 2 submitters: Uncertain significance (2). Last evaluated 2024-11-08.

Allele frequency attached by ClinVar (database versions not stated): ExAC 0.00001; gnomAD exomes 0.00002; TOPMed 0.00002.
gnomAD v4.1: 7 of 1,613,768 alleles (0.00043%); highest among the groups gnomAD compares: Non-Finnish European, 0.00059%; no homozygotes.

Submissions (2):

Athena Diagnostics
Classification: Uncertain significance. Last evaluated: 2024-11-08. Review status: criteria provided, single submitter. Criteria: Athena Diagnostics Criteria. Collection method: clinical testing. Allele origin: unknown.
Comment: Available data are insufficient to determine the clinical significance of the variant at this time. The frequency of this variant in the general population is uninformative in assessment of its pathogenicity. Polyphen and MutationTaster predict this amino acid change may be benign.

Labcorp Genetics (formerly Invitae), Labcorp
Classification: Uncertain significance. Last evaluated: 2022-05-05. Review status: criteria provided, single submitter. Criteria: Invitae Variant Classification Sherloc (09022015). Collection method: clinical testing. Allele origin: germline.
Comment: This sequence change replaces asparagine, which is neutral and polar, with serine, which is neutral and polar, at codon 273 of the MTPAP protein (p.Asn273Ser). This variant is present in population databases (rs763949748, gnomAD 0.003%). This variant has not been reported in the literature in individuals affected with MTPAP-related conditions. ClinVar contains an entry for this variant (Variation ID: 994685). Algorithms developed to predict the effect of missense changes on protein structure and function output the following: SIFT: "Tolerated"; PolyPhen-2: "Benign"; Align-GVGD: "Class C0". The serine amino acid residue is found in multiple mammalian species, which suggests that this missense change does not adversely affect protein function. In summary, the available evidence is currently insufficient to determine the role of this variant in disease. Therefore, it has been classified as a Variant of Uncertain Significance.

NM_018109.4(MTPAP):c.818A>G (p.Asn273Ser)

Gene: MTPAP (mitochondrial poly(A) polymerase; minus strand). Cytogenetic location: 10p11.23.
Variant type: single nucleotide variant.
Coding change: c.818A>G on transcript NM_018109.4 (MANE Select); coding-DNA position 818, A replaced by G.
Protein change: p.Asn273Ser; replaces asparagine 273 with serine.
Molecular consequence: missense variant.
Genome position (GRCh38, 1-based): chr10:30,326,598, T>C on the plus strand (A>G on the coding strand, the complement: MTPAP is on the minus strand). VCF-style: chr10-30326598-T-C. GRCh37 (hg19) VCF-style: chr10-30615527-T-C.
Other names: short protein forms N273S.
Identifiers: ClinVar variation 994685 (VCV000994685.4), dbSNP rs763949748, ClinGen allele CA5459086.